The following is an entry in ClinVar:

ClinVar aggregate classification (germline): Likely pathogenic (1 of 4 stars; one submission).

Conditions:
Primary ciliary dyskinesia 23 (CILD23). Also called: CILIARY DYSKINESIA, PRIMARY, 23, WITH OR WITHOUT SITUS INVERSUS. Identifiers: Orphanet 244, MedGen C3809548, MONDO:0014193, OMIM 615451.

Submission:

Labcorp Genetics (formerly Invitae), Labcorp
Classification: Likely pathogenic for Primary ciliary dyskinesia 23. Last evaluated: 2016-04-01. Review status: criteria provided, single submitter. Criteria: Invitae Variant Classification Sherloc (09022015). Collection method: clinical testing. Allele origin: germline.
Comment: This variant is a gross deletion of the genomic region encompassing exons 18 and 19 of the ARMC4 gene. This leads to an in-frame deletion, preserving the integrity of the reading frame. This variant has not been reported in the literature in individuals with a ARMC4-related disease. A missense variant in exon 18 (p.Leu927Trp) has been reported as pathogenic in individuals with primary ciliary dyskinesia (PMID: 23849778). This suggests that the leucine residue at codon 927 is required for ARMC4 protein function. In summary, this is a novel deletion that eliminates an important amino acid residue and is predicted to be deleterious. However, in the absence of additional clinical and/or functional data, this variant has been classified as Likely Pathogenic.

NC_000010.11:g.(?_27860625)_(27862622_?)del

Gene: ODAD2 (outer dynein arm docking complex subunit 2; minus strand). Cytogenetic location: 10p12.1.
Variant type: Deletion.
Identifiers: ClinVar variation 417578 (VCV000417578.1).